The following is an entry in ClinVar:

ClinVar aggregate classification (germline): Uncertain significance (1 of 4 stars; one submission).

Submission:

GeneDx
Classification: Uncertain significance. Last evaluated: 2023-05-02. Review status: criteria provided, single submitter. Criteria: GeneDx Variant Classification Process June 2021. Collection method: clinical testing. Allele origin: germline. Affected: yes.
Comment: Not observed at significant frequency in large population cohorts (gnomAD); In silico analysis supports that this missense variant has a deleterious effect on protein structure/function; Has not been previously published as pathogenic or benign to our knowledge

NM_004970.3(IGFALS):c.833T>G (p.Val278Gly)

Gene: IGFALS (insulin like growth factor binding protein acid labile subunit; minus strand). Cytogenetic location: 16p13.3.
Variant type: single nucleotide variant.
Coding change: c.833T>G on transcript NM_004970.3 (MANE Select); coding-DNA position 833, T replaced by G.
Protein change: p.Val278Gly; replaces valine 278 with glycine.
Molecular consequence: missense variant. On other transcripts: non-coding transcript variant (1).
Genome position (GRCh38, 1-based): chr16:1,791,585, A>C on the plus strand (T>G on the coding strand, the complement: IGFALS is on the minus strand). VCF-style: chr16-1791585-A-C. GRCh37 (hg19) VCF-style: chr16-1841586-A-C.
Other names: c.947T>G, p.Val316Gly (NM_001146006.2); short protein forms V278G, V316G.
Identifiers: ClinVar variation 2663440 (VCV002663440.1), dbSNP rs1472084658, ClinGen allele CA394266632.